The following is an entry in ClinVar:

NM_001567.4(INPPL1):c.2402G>A (p.Arg801His)

Gene: INPPL1 (inositol polyphosphate phosphatase like 1; plus strand). Cytogenetic location: 11q13.4.
Variant type: single nucleotide variant.
Coding change: c.2402G>A on transcript NM_001567.4 (MANE Select); coding-DNA position 2402, G replaced by A.
Protein change: p.Arg801His; replaces arginine 801 with histidine.
Molecular consequence: missense variant.
Genome position (GRCh38, 1-based): chr11:72,234,602, G>A. VCF-style: chr11-72234602-G-A. GRCh37 (hg19) VCF-style: chr11-71945646-G-A.
Other names: short protein forms R801H.
Identifiers: ClinVar variation 1523631 (VCV001523631.5), dbSNP rs978500572, ClinGen allele CA224379072.

ClinVar aggregate classification (germline): Uncertain significance (1 of 4 stars; one submission).

Allele frequency attached by ClinVar (database versions not stated): gnomAD 0.00001; TOPMed 0.00001; gnomAD exomes 0.00002.

Submission:

Labcorp Genetics (formerly Invitae), Labcorp
Classification: Uncertain significance. Last evaluated: 2021-11-10. Review status: criteria provided, single submitter. Criteria: Invitae Variant Classification Sherloc (09022015). Collection method: clinical testing. Allele origin: germline.
Comment: This sequence change replaces arginine, which is basic and polar, with histidine, which is basic and polar, at codon 801 of the INPPL1 protein (p.Arg801His). The frequency data for this variant in the population databases is considered unreliable, as metrics indicate poor data quality at this position in the gnomAD database. This variant has not been reported in the literature in individuals affected with INPPL1-related conditions. Algorithms developed to predict the effect of missense changes on protein structure and function are either unavailable or do not agree on the potential impact of this missense change (SIFT: "Deleterious"; PolyPhen-2: "Possibly Damaging"; Align-GVGD: "Class C0"). In summary, the available evidence is currently insufficient to determine the role of this variant in disease. Therefore, it has been classified as a Variant of Uncertain Significance.